The following is an entry in ClinVar:

NM_012210.4(TRIM32):c.374A>G (p.Glu125Gly)

Genes: ASTN2 (astrotactin 2; minus strand), TRIM32 (tripartite motif containing 32; plus strand). Cytogenetic location: 9q33.1.
Variant type: single nucleotide variant.
Coding change: c.374A>G on transcript NM_012210.4 (MANE Select); coding-DNA position 374, A replaced by G.
Protein change: p.Glu125Gly; replaces glutamic acid 125 with glycine.
Molecular consequence: missense variant. On other transcripts: intron variant (3).
Genome position (GRCh38, 1-based): chr9:116,698,116, A>G. VCF-style: chr9-116698116-A-G. GRCh37 (hg19) VCF-style: chr9-119460395-A-G.
Other names: c.374A>G, p.Glu125Gly (NM_001099679.2, NM_001379048.1, NM_001379049.1 and 1 more transcripts); c.2653+27655T>C (NM_014010.5); c.2794+27655T>C (NM_001365069.1); c.2806+27655T>C (NM_001365068.1); short protein forms E125G.
Identifiers: ClinVar variation 1426455 (VCV001426455.6), dbSNP rs758786326, ClinGen allele CA5210957.

ClinVar aggregate classification (germline): Uncertain significance. Review status: criteria provided, multiple submitters, no conflicts (2 of 4 stars). 4 submissions from 4 submitters: Uncertain significance (3). 1 of the submissions does not count toward it. Last evaluated 2024-11-26.

Conditions:
TRIM32-related disorder. Also called: TRIM32-related condition.
Bardet-Biedl syndrome (BBS). Identifiers: Orphanet 110, MedGen C0752166, MONDO:0015229.

Allele frequency attached by ClinVar (database versions not stated): gnomAD exomes 0.00001 and 0.00002; ExAC 0.00003.
gnomAD v4.1: 8 of 1,614,064 alleles (0.0005%); highest among the groups gnomAD compares: Non-Finnish European, 0.00068%; 1 homozygote.

Submissions (4):

Revvity Omics, Revvity
Classification: Uncertain significance. Last evaluated: 2024-11-26. Review status: criteria provided, single submitter. Criteria: ACMG Guidelines, 2015. Collection method: clinical testing. Allele origin: germline.

Blueprint Genetics
Classification: Uncertain significance. Last evaluated: 2024-04-30. Review status: criteria provided, single submitter. Criteria: ACMG Guidelines, 2015. Collection method: clinical testing. Allele origin: germline.

Labcorp Genetics (formerly Invitae), Labcorp
Classification: Uncertain significance for Bardet-Biedl syndrome. Last evaluated: 2021-09-28. Review status: criteria provided, single submitter. Criteria: Invitae Variant Classification Sherloc (09022015). Collection method: clinical testing. Allele origin: germline.
Comment: This sequence change replaces glutamic acid with glycine at codon 125 of the TRIM32 protein (p.Glu125Gly). The glutamic acid residue is highly conserved and there is a moderate physicochemical difference between glutamic acid and glycine. This variant is present in population databases (rs758786326, ExAC 0.005%). This variant has not been reported in the literature in individuals affected with TRIM32-related conditions. Algorithms developed to predict the effect of missense changes on protein structure and function (SIFT, PolyPhen-2, Align-GVGD) all suggest that this variant is likely to be tolerated. In summary, the available evidence is currently insufficient to determine the role of this variant in disease. Therefore, it has been classified as a Variant of Uncertain Significance.

PreventionGenetics, part of Exact Sciences
Classification: Uncertain significance for TRIM32-related condition. Last evaluated: 2024-09-04. Review status: no assertion criteria provided. Collection method: clinical testing. Allele origin: germline. Not counted in ClinVar's aggregate classification.
Comment: The TRIM32 c.374A>G variant is predicted to result in the amino acid substitution p.Glu125Gly. To our knowledge, this variant has not been reported in the literature. This variant is reported in 0.0035% of alleles in individuals of European (Non-Finnish) descent in gnomAD. At this time, the clinical significance of this variant is uncertain due to the absence of conclusive functional and genetic evidence.